The following is an entry in ClinVar:

ClinVar aggregate classification (germline): Benign (1 of 4 stars; one submission).

Allele frequency attached by ClinVar (database versions not stated): gnomAD exomes 0.00075 and 0.00196; ExAC 0.00247; gnomAD 0.00792 and 0.00853; TOPMed 0.00875; 1000 Genomes Project 0.00899; ESP Exome Variant Server 0.00907; 1000 Genomes Project 30x 0.01015.
gnomAD v4.1: 2,327 of 1,612,220 alleles (0.14%); highest among the groups gnomAD compares: African/African-American, 2.7%; 27 homozygotes.

Submission:

GeneDx
Classification: Benign. Last evaluated: 2016-08-08. Review status: criteria provided, single submitter. Criteria: GeneDx Variant Classification (06012015). Collection method: clinical testing. Allele origin: germline. Affected: yes.
Comment: This variant is considered likely benign or benign based on one or more of the following criteria: it is a conservative change, it occurs at a poorly conserved position in the protein, it is predicted to be benign by multiple in silico algorithms, and/or has population frequency not consistent with disease.

NM_001843.4(CNTN1):c.-12A>G

Gene: CNTN1 (contactin 1; plus strand). Cytogenetic location: 12q12.
Variant type: single nucleotide variant.
Coding change: c.-12A>G on transcript NM_001843.4 (MANE Select); 12 bases upstream of the start codon, A replaced by G.
Molecular consequence: 5 prime UTR variant.
Genome position (GRCh38, 1-based): chr12:40,908,421, A>G. VCF-style: chr12-40908421-A-G. GRCh37 (hg19) VCF-style: chr12-41302223-A-G.
Other names: c.-12A>G (NM_001256063.2, NM_001256064.2, NM_175038.2).
Identifiers: ClinVar variation 384607 (VCV000384607.1), dbSNP rs115378305, ClinGen allele CA6516487.